The following is an entry in ClinVar:

ClinVar aggregate classification (germline): Pathogenic. Review status: reviewed by expert panel (3 of 4 stars). 17 submissions from 17 submitters: Pathogenic (1). 16 of the submissions do not count toward it. Last evaluated 2016-09-08.

Conditions:
Hereditary cancer-predisposing syndrome. Also called: Hereditary Cancer Syndrome; Tumor predisposition; Neoplastic Syndromes, Hereditary; Hereditary neoplastic syndrome. Identifiers: Orphanet 140162, MedGen C0027672, MeSH D009386, MONDO:0015356.
Hereditary breast ovarian cancer syndrome. Also called: Breast and ovarian cancer; BRCA1- and BRCA2-Associated Hereditary Breast and Ovarian Cancer; Hereditary breast and ovarian cancer; Hereditary breast and ovarian cancer syndrome (HBOC); Hereditary breast and ovarian cancer syndrome; Hereditary breast and/or ovarian cancer syndrome. Identifiers: Orphanet 145, MedGen C0677776, MeSH D061325, MONDO:0003582. Disease mechanism: loss of function.
Breast-ovarian cancer, familial, susceptibility to, 2 (BROVCA2). Also called: BRCA2 Hereditary Breast and Ovarian Cancer. Identifiers: Orphanet 145, MedGen C2675520, MONDO:0012933, OMIM 612555. Disease mechanism: loss of function.
Familial cancer of breast. Also called: BREAST CANCER, FAMILIAL; hereditary breast carcinoma; Hereditary breast cancer. Identifiers: Orphanet 227535, MedGen C0346153, MONDO:0016419, OMIM 114480. Disease mechanism: loss of function.

Allele frequency attached by ClinVar (database versions not stated): gnomAD 0.00001.
gnomAD v4.1: 1 of 1,613,912 alleles (0.000062%); highest among the groups gnomAD compares: Non-Finnish European, 0.000085%; no homozygotes.

Submissions 1 to 12 of 17:

Evidence-based Network for the Interpretation of Germline Mutant Alleles (ENIGMA)
Classification: Pathogenic for Breast-ovarian cancer, familial, susceptibility to, 2. Last evaluated: 2016-09-08. Review status: reviewed by expert panel. Criteria: ENIGMA BRCA1/2 Classification Criteria (2015). Collection method: curation. Allele origin: germline.
Comment: Variant allele predicted to encode a truncated non-functional protein.

Labcorp Genetics (formerly Invitae), Labcorp
Classification: Pathogenic for Hereditary breast ovarian cancer syndrome. Last evaluated: 2025-12-29. Review status: criteria provided, single submitter. Criteria: Invitae Variant Classification Sherloc (09022015). Collection method: clinical testing. Allele origin: germline. Not counted in ClinVar's aggregate classification.
Comment: This sequence change creates a premature translational stop signal (p.Arg2394*) in the BRCA2 gene. It is expected to result in an absent or disrupted protein product. Loss-of-function variants in BRCA2 are known to be pathogenic (PMID: 20104584). The frequency data for this variant in the population databases is considered unreliable, as metrics indicate poor data quality at this position in the gnomAD database. This premature translational stop signal has been observed in individual(s) with hereditary breast and ovarian cancer syndrome and breast and/or ovarian cancer, and pancreatic cancer (PMID: 15340362, 24065114, 25136594, 25366421, 28454591). ClinVar contains an entry for this variant (Variation ID: 52279). For these reasons, this variant has been classified as Pathogenic.

Dasa
Classification: Pathogenic. Last evaluated: 2025-11-21. Review status: criteria provided, single submitter. Criteria: DASA Assertion Criteria. Collection method: clinical testing. Allele origin: germline. Not counted in ClinVar's aggregate classification.
Comment: NM_000059.4(BRCA2):c.7180A>T (p.Arg2394*) introduces a premature termination codon predicted to result in loss of normal protein function. Loss-of-function is an established mechanism of disease for this gene. This variant has been recurrently observed in individuals with related phenotype (PMID: 29446198; PMID: 29907814). The variant is present at low frequency in population datasets. Based on the available data, this variant is classified as pathogenic.

GeneDx
Classification: Pathogenic. Last evaluated: 2025-11-17. Review status: criteria provided, single submitter. Criteria: GeneDx Variant Classification Process June 2021. Collection method: clinical testing. Allele origin: germline. Affected: yes. Not counted in ClinVar's aggregate classification.
Comment: Observed in individuals with a personal or family history consistent with pathogenic variants in this gene (PMID: 15340362, 25366421, 27741520); Nonsense variant predicted to result in protein truncation or nonsense mediated decay in a gene for which loss of function is a known mechanism of disease; Not observed at significant frequency in large population cohorts (gnomAD); Truncating variants in this gene are considered pathogenic by a well-established clinical consortium and/or database; Also known as 7408A>T; This variant is associated with the following publications: (PMID: 30257646, 36139606, 36555431, 35534704, 36451132, 27741520, 25366421, 25525159, 15340362, 24131973, 21990299, 29907814, 27836010, 17224268, 29446198, 30736435, 29625052, 26689913, 34026625, 32438681, 39029294)

Ambry Genetics
Classification: Pathogenic for Hereditary cancer-predisposing syndrome. Last evaluated: 2024-09-26. Review status: criteria provided, single submitter. Criteria: Ambry Variant Classification Scheme 2023. Collection method: clinical testing. Allele origin: germline. Not counted in ClinVar's aggregate classification.
Comment: The p.R2394* pathogenic mutation (also known as c.7180A>T), located in coding exon 13 of the BRCA2 gene, results from an A to T substitution at nucleotide position 7180. This changes the amino acid from an arginine to a stop codon within coding exon 13. This mutation has been detected in multiple hereditary breast and ovarian cancer (HBOC) syndrome families (Marroni F et al. Eur J Hum Genet, 2004 Nov;12:899-906; Manoukian S et al. Eur J Cancer, 2007 Feb;43:601-6; Bellacosa A et al. Cancer Prev Res (Phila), 2010 Jan;3:48-61; Yang D et al. JAMA, 2011 Oct;306:1557-65; Ratajska M et al. J Appl Genet, 2015 May;56:193-8; Rebbeck TR et al. Breast Cancer Res, 2016 11;18:112; Fernandes GC et al. Oncotarget, 2016 Dec;7:80465-80481; Hoyer J et al. BMC Cancer, 2018 Sep;18:926; Concolino P et al. Int J Mol Sci, 2019 Jul;20; Santonocito C et al. Cancers (Basel), 2020 May;12). This mutation has also been detected in patients with pancreatic cancer (Humphris JL et al. Gastroenterology, 2017 01;152:68-74.e2; Johns AL et al. Genome Med, 2017 04;9:41). Of note, this alteration is also designated as 7408A>T in published literature. In addition to the clinical data presented in the literature, this alteration is expected to result in loss of function by premature protein truncation or nonsense-mediated mRNA decay. As such, this alteration is interpreted as a disease-causing mutation.

Molecular Pathology, Peter Maccallum Cancer Centre
Classification: Pathogenic for Breast-ovarian cancer, familial, susceptibility to, 2. Last evaluated: 2024-09-17. Review status: criteria provided, single submitter. Criteria: ACMG Guidelines, 2015. Collection method: clinical testing. Allele origin: germline. Inheritance: Autosomal dominant inheritance. Not counted in ClinVar's aggregate classification.

CeGaT Center for Human Genetics Tuebingen
Classification: Pathogenic. Last evaluated: 2024-06-01. Review status: criteria provided, single submitter. Criteria: CeGaT Center For Human Genetics Tuebingen Variant Classification Criteria Version 2. Collection method: clinical testing. Allele origin: germline. Affected: yes. Observed: 2 variant alleles. Not counted in ClinVar's aggregate classification.
Comment: BRCA2: PVS1, PM2, PS4:Moderate

Quest Diagnostics Nichols Institute San Juan Capistrano
Classification: Pathogenic. Last evaluated: 2024-03-21. Review status: criteria provided, single submitter. Criteria: Quest Diagnostics criteria. Collection method: clinical testing. Allele origin: unknown. Not counted in ClinVar's aggregate classification.
Comment: The BRCA2 c.7180A>T (p.Arg2394*) variant causes the premature termination of BRCA2 protein synthesis. This variant has been reported in the published literature in individuals with breast cancer (PMID: 31336956 (2019), 30257646 (2018), 25136594 (2014), 15340362 (2004)), ovarian cancer (PMID: 36555431 (2022)), and pancreatic cancer (PMID: 36139606 (2022), 30736435 (2019)). The frequency of this variant in the general population, 0.000032 (1/31404 chromosomes (Genome Aggregation Database)), is consistent with pathogenicity. Based on the available information, this variant is classified as pathogenic.

Color Diagnostics, LLC DBA Color Health
Classification: Pathogenic for Hereditary cancer-predisposing syndrome. Last evaluated: 2022-11-16. Review status: criteria provided, single submitter. Criteria: ACMG Guidelines, 2015. Collection method: clinical testing. Allele origin: germline. Not counted in ClinVar's aggregate classification.
Comment: This variant changes 1 nucleotide in exon 14 of the BRCA2 gene, creating a premature translation stop signal. This variant is expected to result in an absent or non-functional protein product. This variant has been reported in at least 5 individuals affected with breast and ovarian cancer (PMID: 24131973, 25136594, 25366421, 27836010) and an individual affected with pancreatic cancer (PMID: 34200245). This variant has not been identified in the general population by the Genome Aggregation Database (gnomAD). Loss of BRCA2 function is a known mechanism of disease. Based on the available evidence, this variant is classified as Pathogenic.

Baylor Genetics
Classification: Pathogenic for Familial cancer of breast. Last evaluated: 2022-06-07. Review status: criteria provided, single submitter. Criteria: ACMG Guidelines, 2015. Collection method: clinical testing. Allele origin: unknown. Not counted in ClinVar's aggregate classification.

Mendelics
Classification: Pathogenic for Hereditary breast and ovarian cancer syndrome. Last evaluated: 2018-07-02. Review status: criteria provided, single submitter. Criteria: Mendelics Assertion Criteria 2017. Collection method: clinical testing. Allele origin: unknown. Not counted in ClinVar's aggregate classification.

Women's Health and Genetics/Laboratory Corporation of America, LabCorp
Classification: Pathogenic for Hereditary breast ovarian cancer syndrome. Last evaluated: 2017-01-30. Review status: criteria provided, single submitter. Criteria: LabCorp Variant Classification Summary - May 2015. Collection method: clinical testing. Allele origin: germline. Not counted in ClinVar's aggregate classification.
Comment: Variant summary: The BRCA2 c.7180A>T (p.Arg2394X) variant results in a premature termination codon, predicted to cause a truncated or absent BRCA2 protein due to nonsense mediated decay, which are commonly known mechanisms for disease. The variant of interest was not observed in controls (ExAC, 1000 Gs, or ESP) and has been reported in multiple affected individuals via publications. In addition, multiple clinical diagnostic laboratories/reputable databases classified this variant as pathogenic. Taken together, this variant is classified as pathogenic.

NM_000059.4(BRCA2):c.7180A>T (p.Arg2394Ter)

Gene: BRCA2 (BRCA2 DNA repair associated; plus strand). Cytogenetic location: 13q13.1.
Variant type: single nucleotide variant.
Coding change: c.7180A>T on transcript NM_000059.4 (MANE Select); coding-DNA position 7180, A replaced by T.
Protein change: p.Arg2394Ter; replaces arginine 2394 with a stop codon.
Molecular consequence: nonsense.
Genome position (GRCh38, 1-based): chr13:32,355,033, A>T. VCF-style: chr13-32355033-A-T. GRCh37 (hg19) VCF-style: chr13-32929170-A-T.
Other names: 7408A>T; short protein forms R2394*.
Identifiers: ClinVar variation 52279 (VCV000052279.60), dbSNP rs80358946, ClinGen allele CA024928.